The following is an entry in ClinVar:

NM_020919.4(ALS2):c.2410C>A (p.Pro804Thr)

Gene: ALS2 (alsin Rho guanine nucleotide exchange factor ALS2; minus strand). Cytogenetic location: 2q33.1.
Variant type: single nucleotide variant.
Coding change: c.2410C>A on transcript NM_020919.4 (MANE Select); coding-DNA position 2410, C replaced by A.
Protein change: p.Pro804Thr; replaces proline 804 with threonine.
Molecular consequence: missense variant.
Genome position (GRCh38, 1-based): chr2:201,738,677, G>T on the plus strand (C>A on the coding strand, the complement: ALS2 is on the minus strand). VCF-style: chr2-201738677-G-T. GRCh37 (hg19) VCF-style: chr2-202603400-G-T.
Other names: c.2410C>A, p.Pro804Thr (NM_001410975.1); short protein forms P804T.
Identifiers: ClinVar variation 2690990 (VCV002690990.7), dbSNP rs1343651442, ClinGen allele CA350324331.
Genomic context (GRCh38, chr2:201,738,677, plus strand): 5'-AAATGTCATCTTTGGCGGAGAGAATGATAACTGGAAGGTGTGGGTTTGCTTACATGGCAG[G>T]CTTAGCAAGAAGCTGGAATCCTCCCATAACCAGGAAATTTGTAATAGATGTGCAATACCT-3'
Protein context (NP_065970.2, residues 794-814): VMGGFQLLAK[Pro804Thr]AIDFLNKNQE

ClinVar aggregate classification (germline): Uncertain significance. Review status: criteria provided, single submitter (1 of 4 stars). 2 submissions from 2 submitters: Uncertain significance (1). 1 of the submissions does not count toward it. Last evaluated 2025-11-01.

Submissions (2):

CeGaT Center for Human Genetics Tuebingen
Classification: Uncertain significance. Last evaluated: 2025-11-01. Review status: criteria provided, single submitter. Criteria: CeGaT Center For Human Genetics Tuebingen Variant Classification Criteria Version 2. Collection method: clinical testing. Allele origin: germline. Affected: yes. Observed: 1 variant allele.
Comment: ALS2: PM2, PM3:Supporting

Molecular Genetics, Labor Dr. Heidrich & Kollegen MVZ GmbH
Classification: Uncertain significance. Last evaluated: 2023-10-05. Review status: no assertion criteria provided. Collection method: clinical testing. Allele origin: germline. Not counted in ClinVar's aggregate classification.